The following is an entry in ClinVar:

ClinVar aggregate classification (germline): Uncertain significance (1 of 4 stars; one submission).

Conditions:
Cardiovascular phenotype. Identifiers: MedGen CN230736.

gnomAD v4.1: 1 of 1,613,302 alleles (0.000062%); highest among the groups gnomAD compares: Non-Finnish European, 0.000085%; no homozygotes.

Submission:

Ambry Genetics
Classification: Uncertain significance for Cardiovascular phenotype. Last evaluated: 2025-07-13. Review status: criteria provided, single submitter. Criteria: Ambry Variant Classification Scheme 2023. Collection method: clinical testing. Allele origin: germline.
Comment: The p.E1460D variant (also known as c.4380G>C), located in coding exon 36 of the ANK2 gene, results from a G to C substitution at nucleotide position 4380. The glutamic acid at codon 1460 is replaced by aspartic acid, an amino acid with highly similar properties. This amino acid position is conserved. In addition, this alteration is predicted to be tolerated by in silico analysis. Based on the available evidence, the clinical significance of this variant remains unclear.

NM_001148.6(ANK2):c.4380G>C (p.Glu1460Asp)

Gene: ANK2 (ankyrin 2; plus strand). Cytogenetic location: 4q26.
Variant type: single nucleotide variant.
Coding change: c.4380G>C on transcript NM_001148.6 (MANE Select); coding-DNA position 4380, G replaced by C.
Protein change: p.Glu1460Asp; replaces glutamic acid 1460 with aspartic acid.
Molecular consequence: missense variant. On other transcripts: intron variant (8).
Genome position (GRCh38, 1-based): chr4:113,348,284, G>C. VCF-style: chr4-113348284-G-C. GRCh37 (hg19) VCF-style: chr4-114269440-G-C.
Other names: c.4314G>C, p.Glu1438Asp (NM_001386161.1, NM_001354244.2, NM_001354256.2); c.4194G>C, p.Glu1398Asp (NM_001386162.1, NM_001354249.2, NM_001354266.2 and 2 more transcripts); c.780G>C, p.Glu260Asp (NM_001386166.1, NM_001386167.1); c.4521G>C, p.Glu1507Asp (NM_001386174.1); c.4497G>C, p.Glu1499Asp (NM_001386175.1); c.4365G>C, p.Glu1455Asp (NM_001386186.2, NM_001386148.2); c.4245G>C, p.Glu1415Asp (NM_001386187.2); c.4380G>C, p.Glu1460Asp (NM_020977.5); and 33 more; short protein forms E1373D, E1406D, E1415D, E1450D, E1453D, E1474D, E1486D, E1507D.
Identifiers: ClinVar variation 4096549 (VCV004096549.1).